The following is an entry in ClinVar:

ClinVar aggregate classification (germline): Uncertain significance (1 of 4 stars; one submission).

Conditions:
Hereditary cancer-predisposing syndrome. Also called: Neoplastic Syndromes, Hereditary; Tumor predisposition; Hereditary Cancer Syndrome; Hereditary neoplastic syndrome. Identifiers: Orphanet 140162, MedGen C0027672, MeSH D009386, MONDO:0015356.

Submission:

Ambry Genetics
Classification: Uncertain significance for Hereditary cancer-predisposing syndrome. Last evaluated: 2026-03-30. Review status: criteria provided, single submitter. Criteria: Ambry Variant Classification Scheme 2023. Collection method: clinical testing. Allele origin: germline.
Comment: The c.1690_1691delGTinsTC variant, located in coding exon 11 of the PMS2 gene, results from an in-frame deletion of GT and insertion of TC at nucleotide positions 1690 to 1691. This results in the substitution of the valine residue for a serine residue at codon 564, an amino acid with dissimilar properties. This amino acid position is not well conserved in available vertebrate species. In addition, this variant is predicted to be neutral by in silico analysis (Choi Y et al. PLoS ONE. 2012; 7(10):e46688). Based on the available evidence, the clinical significance of this variant remains unclear.

NM_000535.7(PMS2):c.1690_1691delinsTC (p.Val564Ser)

Gene: PMS2 (PMS1 homolog 2, mismatch repair system component; minus strand). Cytogenetic location: 7p22.1.
Variant type: Indel.
Coding change: c.1690_1691delinsTC on transcript NM_000535.7 (MANE Select); coding-DNA positions 1690 to 1691, GT replaced by TC.
Protein change: p.Val564Ser; replaces valine 564 with serine.
Molecular consequence: missense variant. On other transcripts: non-coding transcript variant (1), intron variant (1).
Genome position (GRCh38, 1-based): chr7:5,987,074-5,987,075, AC replaced by GA on the plus strand (GT replaced by TC on the coding strand, the reverse complement: PMS2 is on the minus strand). VCF-style: chr7-5987074-AC-GA. GRCh37 (hg19) VCF-style: chr7-6026705-AC-GA.
Other names: c.1285_1286delinsTC, p.Val429Ser (NM_001322003.2, NM_001322004.2, NM_001322005.2 and 16 more transcripts); c.1534_1535delinsTC, p.Val512Ser (NM_001322006.2, NM_001406870.1); c.1372_1373delinsTC, p.Val458Ser (NM_001322007.2, NM_001322008.2, NM_001406883.1 and 2 more transcripts); c.1129_1130delinsTC, p.Val377Ser (NM_001322010.2, NM_001406906.1, NM_001406907.1); c.757_758delinsTC, p.Val253Ser (NM_001322011.2, NM_001322012.2); c.1117_1118delinsTC, p.Val373Ser (NM_001322013.2, NM_001406909.1); c.1366_1367delinsTC, p.Val456Ser (NM_001406884.1); c.1354_1355delinsTC, p.Val452Ser (NM_001406885.1); and 13 more; short protein forms V253S, V307S, V373S, V377S, V393S, V406S, V409S, V429S.
Identifiers: ClinVar variation 4862092 (VCV004862092.1).